The following is an entry in ClinVar:

NM_000037.4(ANK1):c.3698T>C (p.Leu1233Pro)

Gene: ANK1 (ankyrin 1; minus strand). Cytogenetic location: 8p11.21.
Variant type: single nucleotide variant.
Coding change: c.3698T>C on transcript NM_000037.4 (MANE Select); coding-DNA position 3698, T replaced by C.
Protein change: p.Leu1233Pro; replaces leucine 1233 with proline.
Molecular consequence: missense variant.
Genome position (GRCh38, 1-based): chr8:41,692,808, A>G on the plus strand (T>C on the coding strand, the complement: ANK1 is on the minus strand). VCF-style: chr8-41692808-A-G. GRCh37 (hg19) VCF-style: chr8-41550326-A-G.
Other names: c.3821T>C, p.Leu1274Pro (NM_001142446.2); c.3698T>C, p.Leu1233Pro (NM_020475.3, NM_020476.3, NM_020477.3); short protein forms L1233P, L1274P.
Identifiers: ClinVar variation 2633121 (VCV002633121.1), dbSNP rs2486760554, ClinGen allele CA371058903.

ClinVar aggregate classification (germline): Uncertain significance (1 of 4 stars; one submission).

Conditions:
ANK1-related disorder. Also called: ANK1-related condition.

Submission:

PreventionGenetics, part of Exact Sciences
Classification: Uncertain significance for ANK1-related condition. Last evaluated: 2023-05-16. Review status: criteria provided, single submitter. Criteria: ACMG Guidelines, 2015. Collection method: clinical testing. Allele origin: germline.
Comment: The ANK1 c.3698T>C variant is predicted to result in the amino acid substitution p.Leu1233Pro. To our knowledge, this variant has not been reported in the literature or in a large population database, indicating this variant is rare. At this time, the clinical significance of this variant is uncertain due to the absence of conclusive functional and genetic evidence.